The following is an entry in ClinVar:

ClinVar aggregate classification (germline): Conflicting classifications of pathogenicity. Review status: criteria provided, conflicting classifications (1 of 4 stars). 2 submissions from 2 submitters: Uncertain significance (1); Likely benign (1). Last evaluated 2025-09-01.

Conditions:
Immunodeficiency, common variable, 10. Also called: DEFICIT IN ANTERIOR PITUITARY FUNCTION AND VARIABLE IMMUNODEFICIENCY; IMMUNODEFICIENCY, COMMON VARIABLE, WITH CENTRAL ADRENAL INSUFFICIENCY. Identifiers: MedGen C3809991, MONDO:0014260, OMIM 615577.

Allele frequency attached by ClinVar (database versions not stated): gnomAD 0.00001; gnomAD exomes 0.00001; TOPMed 0.00002; ExAC 0.00003.

Submissions (2):

Labcorp Genetics (formerly Invitae), Labcorp
Classification: Uncertain significance for Immunodeficiency, common variable, 10. Last evaluated: 2025-09-01. Review status: criteria provided, single submitter. Criteria: Invitae Variant Classification Sherloc (09022015). Collection method: clinical testing. Allele origin: germline.
Comment: This sequence change replaces glycine, which is neutral and non-polar, with arginine, which is basic and polar, at codon 893 of the NFKB2 protein (p.Gly893Arg). The frequency data for this variant in the population databases is considered unreliable, as metrics indicate poor data quality at this position in the gnomAD database. This variant has not been reported in the literature in individuals affected with NFKB2-related conditions. ClinVar contains an entry for this variant (Variation ID: 2080578). An algorithm developed to predict the effect of missense changes on protein structure and function outputs the following: PolyPhen-2: "Benign". The arginine amino acid residue is found in multiple mammalian species, which suggests that this missense change does not adversely affect protein function. In summary, the available evidence is currently insufficient to determine the role of this variant in disease. Therefore, it has been classified as a Variant of Uncertain Significance.

CeGaT Center for Human Genetics Tuebingen
Classification: Likely benign. Last evaluated: 2025-06-01. Review status: criteria provided, single submitter. Criteria: CeGaT Center For Human Genetics Tuebingen Variant Classification Criteria Version 2. Collection method: clinical testing. Allele origin: germline. Affected: yes. Observed: 1 variant allele.
Comment: NFKB2: BP4

NM_001322934.2(NFKB2):c.2677G>A (p.Gly893Arg)

Gene: NFKB2 (nuclear factor kappa B subunit 2; plus strand). Cytogenetic location: 10q24.32.
Variant type: single nucleotide variant.
Coding change: c.2677G>A on transcript NM_001322934.2 (MANE Select); coding-DNA position 2677, G replaced by A.
Protein change: p.Gly893Arg; replaces glycine 893 with arginine.
Molecular consequence: missense variant.
Genome position (GRCh38, 1-based): chr10:102,402,350, G>A. VCF-style: chr10-102402350-G-A. GRCh37 (hg19) VCF-style: chr10-104162107-G-A.
Other names: c.2674G>A, p.Gly892Arg (NM_001077493.1, NM_001261403.3, NM_001288724.1 and 1 more transcripts); c.2677G>A, p.Gly893Arg (NM_001077494.3); c.2551G>A, p.Gly851Arg (NM_001322935.1); short protein forms G893R, G892R, G851R.
Identifiers: ClinVar variation 2080578 (VCV002080578.14), dbSNP rs777839462, ClinGen allele CA5665138.